The following is an entry in ClinVar:

ClinVar aggregate classification (germline): Uncertain significance (1 of 4 stars; one submission).

Conditions:
Hereditary cancer-predisposing syndrome. Also called: Neoplastic Syndromes, Hereditary; Tumor predisposition; Hereditary Cancer Syndrome; Hereditary neoplastic syndrome. Identifiers: Orphanet 140162, MedGen C0027672, MeSH D009386, MONDO:0015356.

Submission:

Ambry Genetics
Classification: Uncertain significance for Hereditary cancer-predisposing syndrome. Last evaluated: 2026-03-13. Review status: criteria provided, single submitter. Criteria: Ambry Variant Classification Scheme 2023. Collection method: clinical testing. Allele origin: germline.
Comment: The p.L861M variant (also known as c.2581C>A), located in coding exon 15 of the ALK gene, results from a C to A substitution at nucleotide position 2581. The leucine at codon 861 is replaced by methionine, an amino acid with highly similar properties. This amino acid position is conserved. In addition, this alteration is predicted to be tolerated by in silico analysis. Based on the available evidence, the clinical significance of this variant remains unclear.

NM_004304.5(ALK):c.2581C>A (p.Leu861Met)

Gene: ALK (ALK receptor tyrosine kinase; minus strand). Cytogenetic location: 2p23.2.
Variant type: single nucleotide variant.
Coding change: c.2581C>A on transcript NM_004304.5 (MANE Select); coding-DNA position 2581, C replaced by A.
Protein change: p.Leu861Met; replaces leucine 861 with methionine.
Molecular consequence: missense variant.
Genome position (GRCh38, 1-based): chr2:29,232,355, G>T on the plus strand (C>A on the coding strand, the complement: ALK is on the minus strand). VCF-style: chr2-29232355-G-T. GRCh37 (hg19) VCF-style: chr2-29455221-G-T.
Other names: short protein forms L861M.
Identifiers: ClinVar variation 4827118 (VCV004827118.1).
Genomic context (GRCh38, chr2:29,232,355, plus strand): 5'-GCGCTTTACCTGCGGCTCCGGAATTGCCGTTTAGCCCTAGAACCGAGGAGTTATTCTCCA[G>T]TCTCTCTGGGTGGAACGTGTCTGTCTTGGCCCCGTAGGCCCTGCCACCACCTCCGGCTGC-3'
Protein context (NP_004295.2, residues 851-871): AKTDTFHPER[Leu861Met]ENNSSVLGLN